The following is an entry in ClinVar:

ClinVar aggregate classification (germline): Uncertain significance. Review status: criteria provided, multiple submitters, no conflicts (2 of 4 stars). 2 submissions from 2 submitters: Uncertain significance (2). Last evaluated 2025-08-07.

Conditions:
Baller-Gerold syndrome (BGS). Also called: CRANIOSYNOSTOSIS WITH RADIAL DEFECTS. Identifiers: Orphanet 1225, MedGen C0265308, MONDO:0009039, OMIM 218600.
Inborn genetic diseases. Identifiers: MedGen C0950123, MeSH D030342.

gnomAD v4.1: 4 of 1,580,560 alleles (0.00025%); highest among the groups gnomAD compares: Non-Finnish European, 0.00034%; no homozygotes.

Submissions (2):

Ambry Genetics
Classification: Uncertain significance for Inborn genetic diseases. Last evaluated: 2025-08-07. Review status: criteria provided, single submitter. Criteria: Ambry Variant Classification Scheme 2023. Collection method: clinical testing. Allele origin: germline.
Comment: The p.N708K variant (also known as c.2124C>G), located in coding exon 13 of the RECQL4 gene, results from a C to G substitution at nucleotide position 2124. The asparagine at codon 708 is replaced by lysine, an amino acid with similar properties. This amino acid position is conserved. In addition, this alteration is predicted to be tolerated by in silico analysis. Based on the available evidence, the clinical significance of this variant remains unclear.

Labcorp Genetics (formerly Invitae), Labcorp
Classification: Uncertain significance for Baller-Gerold syndrome. Last evaluated: 2024-06-28. Review status: criteria provided, single submitter. Criteria: Invitae Variant Classification Sherloc (09022015). Collection method: clinical testing. Allele origin: germline.
Comment: This sequence change replaces asparagine, which is neutral and polar, with lysine, which is basic and polar, at codon 708 of the RECQL4 protein (p.Asn708Lys). This variant is not present in population databases (gnomAD no frequency). This variant has not been reported in the literature in individuals affected with RECQL4-related conditions. ClinVar contains an entry for this variant (Variation ID: 844884). Advanced modeling of protein sequence and biophysical properties (such as structural, functional, and spatial information, amino acid conservation, physicochemical variation, residue mobility, and thermodynamic stability) performed at Invitae indicates that this missense variant is not expected to disrupt RECQL4 protein function with a negative predictive value of 80%. In summary, the available evidence is currently insufficient to determine the role of this variant in disease. Therefore, it has been classified as a Variant of Uncertain Significance.

NM_004260.4(RECQL4):c.2124C>G (p.Asn708Lys)

Gene: RECQL4 (RecQ like helicase 4; minus strand). Cytogenetic location: 8q24.3.
Variant type: single nucleotide variant.
Coding change: c.2124C>G on transcript NM_004260.4 (MANE Select); coding-DNA position 2124, C replaced by G.
Protein change: p.Asn708Lys; replaces asparagine 708 with lysine.
Molecular consequence: missense variant.
Genome position (GRCh38, 1-based): chr8:144,513,647, G>C on the plus strand (C>G on the coding strand, the complement: RECQL4 is on the minus strand). VCF-style: chr8-144513647-G-C. GRCh37 (hg19) VCF-style: chr8-145739031-G-C.
Other names: short protein forms N708K.
Identifiers: ClinVar variation 844884 (VCV000844884.9), dbSNP rs749266091, ClinGen allele CA372679838.
Genomic context (GRCh38, chr8:144,513,647, plus strand): 5'-CCAGGCTGCGTGCAGGCAGGTTCGGAGGAGCGCAGCGATCCGCTCTGTGTCCTCGCGCCG[G>C]TTGCAGTAAATGATAATGGAATCGAGGTTTTGAAAACGTTTGCCTTGCAGCAGCGTCAAC-3'
Protein context (NP_004251.4, residues 698-718): QNLDSIIIYC[Asn708Lys]RREDTERIAA